The following is an entry in ClinVar:

NM_000245.4(MET):c.1886C>T (p.Ala629Val)

Gene: MET (MET proto-oncogene, receptor tyrosine kinase; plus strand). Cytogenetic location: 7q31.2.
Variant type: single nucleotide variant.
Coding change: c.1886C>T on transcript NM_000245.4 (MANE Select); coding-DNA position 1886, C replaced by T.
Protein change: p.Ala629Val; replaces alanine 629 with valine.
Molecular consequence: missense variant.
Genome position (GRCh38, 1-based): chr7:116,757,460, C>T. VCF-style: chr7-116757460-C-T. GRCh37 (hg19) VCF-style: chr7-116397514-C-T.
Other names: c.1886C>T, p.Ala629Val (NM_001127500.3, NM_001324401.3); c.596C>T, p.Ala199Val (NM_001324402.2); short protein forms A199V, A629V.
Identifiers: ClinVar variation 3232919 (VCV003232919.4), dbSNP rs2116920054, ClinGen allele CA368979273.

ClinVar aggregate classification (germline): Conflicting classifications of pathogenicity. Review status: criteria provided, conflicting classifications (1 of 4 stars). 2 submissions from 2 submitters: Uncertain significance (1); Likely benign (1). Last evaluated 2026-07-10.

Conditions:
Hereditary cancer-predisposing syndrome. Also called: Neoplastic Syndromes, Hereditary; Tumor predisposition; Hereditary Cancer Syndrome; Hereditary neoplastic syndrome. Identifiers: Orphanet 140162, MedGen C0027672, MeSH D009386, MONDO:0015356.
Renal cell carcinoma. Identifiers: Orphanet 217071, MedGen C0007134, MeSH D002292, MONDO:0005086, HP:0005584.

Submissions (2):

Ambry Genetics
Classification: Likely benign for Hereditary cancer-predisposing syndrome. Last evaluated: 2026-07-10. Review status: criteria provided, single submitter. Criteria: Ambry Variant Classification Scheme 2023. Collection method: clinical testing. Allele origin: germline.

Labcorp Genetics (formerly Invitae), Labcorp
Classification: Uncertain significance for Renal cell carcinoma. Last evaluated: 2024-10-23. Review status: criteria provided, single submitter. Criteria: Invitae Variant Classification Sherloc (09022015). Collection method: clinical testing. Allele origin: germline.
Comment: This sequence change replaces alanine, which is neutral and non-polar, with valine, which is neutral and non-polar, at codon 629 of the MET protein (p.Ala629Val). This variant is not present in population databases (gnomAD no frequency). This variant has not been reported in the literature in individuals affected with MET-related conditions. Invitae Evidence Modeling of protein sequence and biophysical properties (such as structural, functional, and spatial information, amino acid conservation, physicochemical variation, residue mobility, and thermodynamic stability) indicates that this missense variant is not expected to disrupt MET protein function with a negative predictive value of 80%. In summary, the available evidence is currently insufficient to determine the role of this variant in disease. Therefore, it has been classified as a Variant of Uncertain Significance.